The following is an entry in ClinVar:

ClinVar aggregate classification (germline): Uncertain significance. Review status: criteria provided, multiple submitters, no conflicts (2 of 4 stars). 3 submissions from 3 submitters: Uncertain significance (3). Last evaluated 2024-05-24.

Conditions:
Inborn genetic diseases. Identifiers: MedGen C0950123, MeSH D030342.
CODAS syndrome. Also called: CEREBRAL, OCULAR, DENTAL, AURICULAR, AND SKELETAL ANOMALIES SYNDROME. Identifiers: Orphanet 1458, MedGen C1838180, MONDO:0010879, OMIM 600373.

Allele frequency attached by ClinVar (database versions not stated): gnomAD exomes 0.00001 and 0.00002; TOPMed 0.00002.
gnomAD v4.1: 8 of 1,614,058 alleles (0.0005%); highest among the groups gnomAD compares: Admixed American, 0.013%; no homozygotes.

Submissions (3):

Ambry Genetics
Classification: Uncertain significance for Inborn genetic diseases. Last evaluated: 2024-05-24. Review status: criteria provided, single submitter. Criteria: Ambry Variant Classification Scheme 2023. Collection method: clinical testing. Allele origin: germline.

Revvity Omics, Revvity
Classification: Uncertain significance for CODAS syndrome. Last evaluated: 2024-03-27. Review status: criteria provided, single submitter. Criteria: ACMG Guidelines, 2015. Collection method: clinical testing. Allele origin: germline.

Labcorp Genetics (formerly Invitae), Labcorp
Classification: Uncertain significance. Last evaluated: 2024-01-08. Review status: criteria provided, single submitter. Criteria: Invitae Variant Classification Sherloc (09022015). Collection method: clinical testing. Allele origin: germline.
Comment: This sequence change replaces isoleucine, which is neutral and non-polar, with threonine, which is neutral and polar, at codon 927 of the LONP1 protein (p.Ile927Thr). This variant is present in population databases (no rsID available, gnomAD 0.01%). This variant has not been reported in the literature in individuals affected with LONP1-related conditions. ClinVar contains an entry for this variant (Variation ID: 1380336). Advanced modeling of protein sequence and biophysical properties (such as structural, functional, and spatial information, amino acid conservation, physicochemical variation, residue mobility, and thermodynamic stability) performed at Invitae indicates that this missense variant is not expected to disrupt LONP1 protein function with a negative predictive value of 80%. In summary, the available evidence is currently insufficient to determine the role of this variant in disease. Therefore, it has been classified as a Variant of Uncertain Significance.

NM_004793.4(LONP1):c.2780T>C (p.Ile927Thr)

Gene: LONP1 (lon peptidase 1, mitochondrial; minus strand). Cytogenetic location: 19p13.3.
Variant type: single nucleotide variant.
Coding change: c.2780T>C on transcript NM_004793.4 (MANE Select); coding-DNA position 2780, T replaced by C.
Protein change: p.Ile927Thr; replaces isoleucine 927 with threonine.
Molecular consequence: missense variant. On other transcripts: non-coding transcript variant (1).
Genome position (GRCh38, 1-based): chr19:5,692,132, A>G on the plus strand (T>C on the coding strand, the complement: LONP1 is on the minus strand). VCF-style: chr19-5692132-A-G. GRCh37 (hg19) VCF-style: chr19-5692143-A-G.
Other names: c.2588T>C, p.Ile863Thr (NM_001276479.2); c.2192T>C, p.Ile731Thr (NM_001276480.1); c.2780T>C (NM_004793.2); short protein forms I731T, I863T, I927T.
Identifiers: ClinVar variation 1380336 (VCV001380336.8), dbSNP rs1248625758, ClinGen allele CA403525022.
Genomic context (GRCh38, chr19:5,692,132, plus strand): 5'-AAGGCGATGTCGAAGATCTCCCGGTAGTGTTCCACGAAGTGCACCTCCAGGCCCTCGGTG[A>G]TGAAGGCTGCCAGGTCGTAGAAGTCCTTCTTGTTCTCGGCTGGCAGGACGATGCACGTCA-3'
Protein context (NP_004784.2, residues 917-937): KKDFYDLAAF[Ile927Thr]TEGLEVHFVE